The following is an entry in ClinVar:

NM_007194.4(CHEK2):c.408C>G (p.Tyr136Ter)

Gene: CHEK2 (checkpoint kinase 2; minus strand). Cytogenetic location: 22q12.1.
Variant type: single nucleotide variant.
Coding change: c.408C>G on transcript NM_007194.4 (MANE Select); coding-DNA position 408, C replaced by G.
Protein change: p.Tyr136Ter; replaces tyrosine 136 with a stop codon.
Molecular consequence: nonsense.
Genome position (GRCh38, 1-based): chr22:28,725,279, G>C on the plus strand (C>G on the coding strand, the complement: CHEK2 is on the minus strand). VCF-style: chr22-28725279-G-C. GRCh37 (hg19) VCF-style: chr22-29121267-G-C.
Other names: c.537C>G, p.Tyr179Ter (NM_001005735.3); c.-370C>G (NM_001257387.3); c.408C>G, p.Tyr136Ter (NM_001349956.3, NM_145862.3); short protein forms Y179*, Y136*.
Identifiers: ClinVar variation 1453624 (VCV001453624.9), dbSNP rs911826883, ClinGen allele CA411107980.

ClinVar aggregate classification (germline): Pathogenic. Review status: criteria provided, multiple submitters, no conflicts (2 of 4 stars). 2 submissions from 2 submitters: Pathogenic (2). Last evaluated 2024-02-27.

Conditions:
Hereditary cancer-predisposing syndrome. Also called: Tumor predisposition; Neoplastic Syndromes, Hereditary; Hereditary Cancer Syndrome; Hereditary neoplastic syndrome. Identifiers: Orphanet 140162, MedGen C0027672, MeSH D009386, MONDO:0015356.
Familial cancer of breast. Also called: Hereditary breast cancer; hereditary breast carcinoma; BREAST CANCER, FAMILIAL. Identifiers: Orphanet 227535, MedGen C0346153, MONDO:0016419, OMIM 114480. Disease mechanism: loss of function.

Submissions (2):

Ambry Genetics
Classification: Pathogenic for Hereditary cancer-predisposing syndrome. Last evaluated: 2024-02-27. Review status: criteria provided, single submitter. Criteria: Ambry Variant Classification Scheme 2023. Collection method: clinical testing. Allele origin: germline.
Comment: The p.Y136* pathogenic mutation (also known as c.408C>G), located in coding exon 2 of the CHEK2 gene, results from a C to G substitution at nucleotide position 408. This changes the amino acid from a tyrosine to a stop codon within coding exon 2. This alteration is expected to result in loss of function by premature protein truncation or nonsense-mediated mRNA decay. This variant is considered to be rare based on population cohorts in the Genome Aggregation Database (gnomAD). As such, this alteration is interpreted as a disease-causing mutation.

Labcorp Genetics (formerly Invitae), Labcorp
Classification: Pathogenic for Familial cancer of breast. Last evaluated: 2023-06-02. Review status: criteria provided, single submitter. Criteria: Invitae Variant Classification Sherloc (09022015). Collection method: clinical testing. Allele origin: germline.
Comment: This sequence change creates a premature translational stop signal (p.Tyr136*) in the CHEK2 gene. It is expected to result in an absent or disrupted protein product. Loss-of-function variants in CHEK2 are known to be pathogenic (PMID: 21876083, 24713400). This variant is not present in population databases (gnomAD no frequency). This variant has not been reported in the literature in individuals affected with CHEK2-related conditions. ClinVar contains an entry for this variant (Variation ID: 1453624). For these reasons, this variant has been classified as Pathogenic.

Literature cited by the submitters: PubMed 21876083 (cited by Labcorp Genetics (formerly Invitae), Labcorp); PubMed 24713400 (cited by Labcorp Genetics (formerly Invitae), Labcorp).